The following is an entry in ClinVar:

NM_000548.5(TSC2):c.4074C>T (p.Pro1358=)

Gene: TSC2 (TSC complex subunit 2; plus strand). Cytogenetic location: 16p13.3.
Variant type: single nucleotide variant.
Coding change: c.4074C>T on transcript NM_000548.5 (MANE Select); coding-DNA position 4074, C replaced by T.
Protein change: p.Pro1358=; no amino-acid change (proline 1358 retained).
Molecular consequence: synonymous variant.
Genome position (GRCh38, 1-based): chr16:2,084,296, C>T. VCF-style: chr16-2084296-C-T. GRCh37 (hg19) VCF-style: chr16-2134297-C-T.
Other names: c.3873C>T, p.Pro1291= (NM_001077183.3); c.4005C>T, p.Pro1335= (NM_001114382.3); c.3765C>T, p.Pro1255= (NM_001318827.2); c.3729C>T, p.Pro1243= (NM_001318829.2); c.3342C>T, p.Pro1114= (NM_001318831.2); c.3906C>T, p.Pro1302= (NM_001318832.2); c.3876C>T, p.Pro1292= (NM_001363528.2); c.3942C>T, p.Pro1314= (NM_001370404.1); and 1 more.
Identifiers: ClinVar variation 468063 (VCV000468063.36), dbSNP rs144098854, ClinGen allele CA050345.
Genomic context (GRCh38, chr16:2,084,296, plus strand): 5'-AGTCTCCAGCCAGGAGGAGAAGTCGCTCCACGCGGAGGAGCTGGTTGGCAGGGGCATCCC[C>T]ATCGAGCGAGTCGTCTCCTCGGAGGGTGGCCGGCCCTCTGTGGACCTCTCCTTCCAGCCC-3'
Protein context (NP_000539.2, residues 1348-1368): HAEELVGRGI[Pro1358=]IERVVSSEGG

ClinVar aggregate classification (germline): Conflicting classifications of pathogenicity. Review status: criteria provided, conflicting classifications (1 of 4 stars). 7 submissions from 7 submitters: Uncertain significance (1); Benign (2); Likely benign (4). Last evaluated 2025-11-05.

Conditions:
Hereditary cancer-predisposing syndrome. Also called: Hereditary neoplastic syndrome; Tumor predisposition; Neoplastic Syndromes, Hereditary; Hereditary Cancer Syndrome. Identifiers: Orphanet 140162, MedGen C0027672, MeSH D009386, MONDO:0015356.
Tuberous sclerosis syndrome (TSC). Also called: Tuberous Sclerosis Complex; Tuberous sclerosis. Identifiers: Orphanet 805, MedGen C0041341, MONDO:0001734.
Tuberous sclerosis 2 (TSC2). Identifiers: Orphanet 805, MedGen C1860707, MONDO:0013199, OMIM 613254.

Allele frequency attached by ClinVar (database versions not stated): gnomAD exomes 0.00001; TOPMed 0.00001; ExAC 0.00002; ESP Exome Variant Server 0.00008.
gnomAD v4.1: 3 of 1,612,622 alleles (0.00019%); highest among the groups gnomAD compares: Middle Eastern, 0.016%; no homozygotes.

Submissions (7):

Labcorp Genetics (formerly Invitae), Labcorp
Classification: Likely benign for Tuberous sclerosis 2. Last evaluated: 2025-11-05. Review status: criteria provided, single submitter. Criteria: Invitae Variant Classification Sherloc (09022015). Collection method: clinical testing. Allele origin: germline.

Myriad Genetics, Inc.
Classification: Benign for Tuberous sclerosis 2. Last evaluated: 2025-06-02. Review status: criteria provided, single submitter. Criteria: Myriad Autosomal Dominant, Autosomal Recessive and X-Linked Classification Criteria (2023). Collection method: clinical testing. Allele origin: unknown.
Comment: This variant is considered benign. This variant is a silent/synonymous amino acid change and it is not expected to impact splicing.

CeGaT Center for Human Genetics Tuebingen
Classification: Likely benign. Last evaluated: 2024-08-01. Review status: criteria provided, single submitter. Criteria: CeGaT Center For Human Genetics Tuebingen Variant Classification Criteria Version 2. Collection method: clinical testing. Allele origin: germline. Affected: yes. Observed: 1 variant allele.
Comment: TSC2: BP4, BP7

Color Diagnostics, LLC DBA Color Health
Classification: Likely benign for Tuberous sclerosis syndrome. Last evaluated: 2022-10-05. Review status: criteria provided, single submitter. Criteria: ACMG Guidelines, 2015. Collection method: clinical testing. Allele origin: germline.

Genome-Nilou Lab
Classification: Benign for Tuberous sclerosis 2. Last evaluated: 2021-11-07. Review status: criteria provided, single submitter. Criteria: ACMG Guidelines, 2015. Collection method: clinical testing. Allele origin: germline. Affected: no.

Sema4
Classification: Uncertain significance for Hereditary cancer-predisposing syndrome. Last evaluated: 2021-08-13. Review status: criteria provided, single submitter. Criteria: Sema4 Curation Guidelines. Collection method: curation. Allele origin: germline.
Comment: The TSC2 c.4074C>T (p.P1358=) variant has not been reported in the literature to our knowledge. It was observed in 1/15964 chromosomes of the African/African American subpopulation in the large and broad cohorts of the Genome Aggregation Database (PMID: 32461654). The variant has been reported in ClinVar (Variation ID 468063). In silico tools suggest that the nucleotide is conserved and that the variant may not have an impact on splicing, though these predictions have not been confirmed by functional studies. The evidence is insufficient to meet ACMG/AMP criteria for classifying the variant as benign or pathogenic. Thus, the clinical significance of this variant is currently uncertain.

Ambry Genetics
Classification: Likely benign for Hereditary cancer-predisposing syndrome. Last evaluated: 2019-05-23. Review status: criteria provided, single submitter. Criteria: Ambry Variant Classification Scheme 2023. Collection method: clinical testing. Allele origin: germline.